The following is an entry in ClinVar:

NM_004713.6(NEMF):c.3130A>G (p.Lys1044Glu)

Genes: KLHDC2 (kelch domain containing 2; plus strand), NEMF (nuclear export mediator factor; minus strand). Cytogenetic location: 14q21.3.
Variant type: single nucleotide variant.
Coding change: c.3130A>G on transcript NM_004713.6 (MANE Select); coding-DNA position 3130, A replaced by G.
Protein change: p.Lys1044Glu; replaces lysine 1044 with glutamic acid.
Molecular consequence: missense variant. On other transcripts: 3 prime UTR variant (1).
Genome position (GRCh38, 1-based): chr14:49,784,948, T>C on the plus strand (A>G on the coding strand, the complement: NEMF is on the minus strand). VCF-style: chr14-49784948-T-C. GRCh37 (hg19) VCF-style: chr14-50251666-T-C.
Other names: c.*1995T>C (NM_014315.3); c.3067A>G, p.Lys1023Glu (NM_001301732.3); short protein forms K1023E, K1044E.
Identifiers: ClinVar variation 3359359 (VCV003359359.1).

ClinVar aggregate classification (germline): Uncertain significance (1 of 4 stars; one submission).

Submission:

GeneDx
Classification: Uncertain significance. Last evaluated: 2023-06-01. Review status: criteria provided, single submitter. Criteria: GeneDx Variant Classification Process June 2021. Collection method: clinical testing. Allele origin: germline. Affected: yes.
Comment: Not observed at significant frequency in large population cohorts (gnomAD); In silico analysis supports that this missense variant has a deleterious effect on protein structure/function; Has not been previously published as pathogenic or benign to our knowledge